The following is an entry in ClinVar:

NM_017950.4(CCDC40):c.1873A>G (p.Arg625Gly)

Gene: CCDC40 (coiled-coil domain 40 molecular ruler complex subunit; plus strand). Cytogenetic location: 17q25.3.
Variant type: single nucleotide variant.
Coding change: c.1873A>G on transcript NM_017950.4 (MANE Select); coding-DNA position 1873, A replaced by G.
Protein change: p.Arg625Gly; replaces arginine 625 with glycine.
Molecular consequence: missense variant.
Genome position (GRCh38, 1-based): chr17:80,081,942, A>G. VCF-style: chr17-80081942-A-G. GRCh37 (hg19) VCF-style: chr17-78055741-A-G.
Other names: c.1873A>G, p.Arg625Gly (NM_001243342.2); short protein forms R625G.
Identifiers: ClinVar variation 1024881 (VCV001024881.17), dbSNP rs2038460577, ClinGen allele CA401339007.

ClinVar aggregate classification (germline): Uncertain significance (1 of 4 stars; one submission).

Conditions:
Primary ciliary dyskinesia. Also called: Ciliary dyskinesia. Identifiers: Orphanet 244, MedGen C0008780, MONDO:0016575, HP:0012265.

Submission:

Labcorp Genetics (formerly Invitae), Labcorp
Classification: Uncertain significance for Primary ciliary dyskinesia. Last evaluated: 2020-01-25. Review status: criteria provided, single submitter. Criteria: Invitae Variant Classification Sherloc (09022015). Collection method: clinical testing. Allele origin: germline.
Comment: In summary, the available evidence is currently insufficient to determine the role of this variant in disease. Therefore, it has been classified as a Variant of Uncertain Significance. Algorithms developed to predict the effect of missense changes on protein structure and function output the following: SIFT: "Deleterious"; PolyPhen-2: "Benign"; Align-GVGD: "Class C0". The glycine amino acid residue is found in multiple mammalian species, suggesting that this missense change does not adversely affect protein function. These predictions have not been confirmed by published functional studies and their clinical significance is uncertain. This variant has not been reported in the literature in individuals with CCDC40-related conditions. This variant is not present in population databases (ExAC no frequency). This sequence change replaces arginine with glycine at codon 625 of the CCDC40 protein (p.Arg625Gly). The arginine residue is moderately conserved and there is a moderate physicochemical difference between arginine and glycine.